The following is an entry in ClinVar:

ClinVar aggregate classification (germline): Conflicting classifications of pathogenicity. Review status: criteria provided, conflicting classifications (1 of 4 stars). 4 submissions from 4 submitters: Likely pathogenic (1); Uncertain significance (3). Last evaluated 2024-04-25.

Conditions:
CSRP3-related disorder. Also called: CSRP3-related condition; CSRP3-related disorders.
Cardiovascular phenotype. Identifiers: MedGen CN230736.
Dilated cardiomyopathy 1M (CMD1M). Identifiers: Orphanet 154, MedGen C1843808, MONDO:0011840, OMIM 607482.
Hypertrophic cardiomyopathy 12. Identifiers: MedGen C2677491, MONDO:0012804, OMIM 612124.
Hypertrophic cardiomyopathy 1 (CMH1). Also called: MYH7-Related Familial Hypertrophic Cardiomyopathy; Familial hypertrophic cardiomyopathy 1. Identifiers: MedGen C3495498, MONDO:0008647, OMIM 192600.

Allele frequency attached by ClinVar (database versions not stated): gnomAD exomes below 0.00001.
gnomAD v4.1: 4 of 1,614,078 alleles (0.00025%); highest among the groups gnomAD compares: Non-Finnish European, 0.00034%; no homozygotes.

Submissions (4):

Blueprint Genetics
Classification: Likely pathogenic for CSRP3-related disorders. Last evaluated: 2024-04-25. Review status: criteria provided, single submitter. Criteria: ACMG Guidelines, 2015. Collection method: clinical testing. Allele origin: germline. Affected: yes. Observed: 2 variant alleles.

Ambry Genetics
Classification: Uncertain significance for Cardiovascular phenotype. Last evaluated: 2023-09-20. Review status: criteria provided, single submitter. Criteria: Ambry Variant Classification Scheme 2023. Collection method: clinical testing. Allele origin: germline.
Comment: The p.H31Q variant (also known as c.93C>G), located in coding exon 1 of the CSRP3 gene, results from a C to G substitution at nucleotide position 93. The histidine at codon 31 is replaced by glutamine, an amino acid with highly similar properties. This variant has been detected in an individual from a hypertrophic cardiomyopathy cohort (Burns C et al. Circ Cardiovasc Genet, 2017 Aug;10). This amino acid position is highly conserved in available vertebrate species. In addition, this alteration is predicted to be deleterious by in silico analysis. Since supporting evidence is limited at this time, the clinical significance of this alteration remains unclear.

Labcorp Genetics (formerly Invitae), Labcorp
Classification: Uncertain significance for Hypertrophic cardiomyopathy 12; Dilated cardiomyopathy 1M. Last evaluated: 2019-08-20. Review status: criteria provided, single submitter. Criteria: Invitae Variant Classification Sherloc (09022015). Collection method: clinical testing. Allele origin: germline.
Comment: This variant is not present in population databases (ExAC no frequency). In summary, the available evidence is currently insufficient to determine the role of this variant in disease. Therefore, it has been classified as a Variant of Uncertain Significance. Algorithms developed to predict the effect of missense changes on protein structure and function are either unavailable or do not agree on the potential impact of this missense change (SIFT: "Deleterious"; PolyPhen-2: "Probably Damaging"; Align-GVGD: "Class C15"). This variant has been observed in an individual affected with hypertrophic cardiomyopathy (PMID: 28790153). ClinVar contains an entry for this variant (Variation ID: 217825). This sequence change replaces histidine with glutamine at codon 31 of the CSRP3 protein (p.His31Gln). The histidine residue is highly conserved and there is a small physicochemical difference between histidine and glutamine.

Agnes Ginges Centre for Molecular Cardiology, Centenary Institute
Classification: Uncertain significance for Hypertrophic cardiomyopathy 1. Last evaluated: 2015-08-06. Review status: criteria provided, single submitter. Criteria: Agnes Ginges Centre for Molecular Cardiology criteria (2015). Collection method: research. Allele origin: germline. Inheritance: Autosomal dominant inheritance. Affected: yes.
Comment: The His31Gln variant in CSRP3 has not previously been reported in individuals with cardiomyopathy and is absent in both the 1000 genomes project, and the Exome Aggregation Consortium dataset. Computational analyses (Polyphen-2, Mutation Taster, SIFT and CADD) suggest that this variant may impact the protein, though this information is not predictive enough to determine pathogenicity. Additional information is needed to fully assess the clinical significance of the His31Gln variant therefore we classify this variant as a variant of 'uncertain significance'.

Literature cited by the submitters: PubMed 28790153 (cited by Ambry Genetics and Labcorp Genetics (formerly Invitae), Labcorp); PubMed 18505755 (cited by Agnes Ginges Centre for Molecular Cardiology, Centenary Institute).

NM_003476.5(CSRP3):c.93C>G (p.His31Gln)

Gene: CSRP3 (cysteine and glycine rich protein 3; minus strand). Cytogenetic location: 11p15.1.
Variant type: single nucleotide variant.
Coding change: c.93C>G on transcript NM_003476.5 (MANE Select); coding-DNA position 93, C replaced by G.
Protein change: p.His31Gln; replaces histidine 31 with glutamine.
Molecular consequence: missense variant.
Genome position (GRCh38, 1-based): chr11:19,192,356, G>C on the plus strand (C>G on the coding strand, the complement: CSRP3 is on the minus strand). VCF-style: chr11-19192356-G-C. GRCh37 (hg19) VCF-style: chr11-19213903-G-C.
Other names: c.93C>G (NM_003476.3); c.93C>G, p.His31Gln (NM_001369404.1); short protein forms H31Q.
Identifiers: ClinVar variation 217825 (VCV000217825.13), dbSNP rs863225265, ClinGen allele CA279625.